The following is an entry in ClinVar:

ClinVar aggregate classification (germline): Likely benign (1 of 4 stars; one submission).

gnomAD v4.1: 376 of 1,612,420 alleles (0.023%); highest among the groups gnomAD compares: Non-Finnish European, 0.031%; no homozygotes.

Submission:

CeGaT Center for Human Genetics Tuebingen
Classification: Likely benign. Last evaluated: 2025-11-01. Review status: criteria provided, single submitter. Criteria: CeGaT Center For Human Genetics Tuebingen Variant Classification Criteria Version 2. Collection method: clinical testing. Allele origin: germline. Affected: yes. Observed: 1 variant allele.
Comment: GRIA4: BP4, BP7

NM_000829.4(GRIA4):c.930A>G (p.Glu310=)

Gene: GRIA4 (glutamate ionotropic receptor AMPA type subunit 4; plus strand). Cytogenetic location: 11q22.3.
Variant type: single nucleotide variant.
Coding change: c.930A>G on transcript NM_000829.4 (MANE Select); coding-DNA position 930, A replaced by G.
Protein change: p.Glu310=; no amino-acid change (glutamic acid 310 retained).
Molecular consequence: synonymous variant. On other transcripts: non-coding transcript variant (1).
Genome position (GRCh38, 1-based): chr11:105,903,858, A>G. VCF-style: chr11-105903858-A-G. GRCh37 (hg19) VCF-style: chr11-105774584-A-G.
Other names: c.930A>G, p.Glu310= (NM_001077243.3, NM_001077244.2, NM_001112812.2 and 20 more transcripts).
Identifiers: ClinVar variation 4533997 (VCV004533997.6).
Genomic context (GRCh38, chr11:105,903,858, plus strand): 5'-ATTTTCATTTGGTTAGTACACCTCTGCTCTGACTTATGATGGAGTCCTTGTGATGGCTGA[A>G]ACTTTCCGAAGTCTTAGGAGGCAGAAAATTGATATCTCAAGGAGAGGAAATGCTGGGGAT-3'
Protein context (NP_000820.4, residues 300-320): LTYDGVLVMA[Glu310=]TFRSLRRQKI